The following is an entry in ClinVar:

ClinVar aggregate classification (germline): Likely benign (0 of 4 stars; one submission).

Conditions:
ISL1-related disorder. Also called: ISL1-related condition.

gnomAD v4.1: 9 of 1,613,982 alleles (0.00056%); highest among the groups gnomAD compares: Admixed American, 0.015%; no homozygotes.

Submission:

PreventionGenetics, part of Exact Sciences
Classification: Likely benign for ISL1-related condition. Last evaluated: 2022-03-17. Review status: no assertion criteria provided. Collection method: clinical testing. Allele origin: germline.
Comment: This variant is classified as likely benign based on ACMG/AMP sequence variant interpretation guidelines (Richards et al. 2015 PMID: 25741868, with internal and published modifications).

NM_002202.3(ISL1):c.933G>A (p.Leu311=)

Gene: ISL1 (ISL LIM homeobox 1; plus strand). Cytogenetic location: 5q11.1.
Variant type: single nucleotide variant.
Coding change: c.933G>A on transcript NM_002202.3 (MANE Select); coding-DNA position 933, G replaced by A.
Protein change: p.Leu311=; no amino-acid change (leucine 311 retained).
Molecular consequence: synonymous variant.
Genome position (GRCh38, 1-based): chr5:51,391,441, G>A. VCF-style: chr5-51391441-G-A. GRCh37 (hg19) VCF-style: chr5-50687275-G-A.
Identifiers: ClinVar variation 3355230 (VCV003355230.1).